The following is an entry in ClinVar:

ClinVar aggregate classification (germline): Uncertain significance (1 of 4 stars; one submission).

gnomAD v4.1: 4 of 1,614,024 alleles (0.00025%); no homozygotes.

Submission:

Labcorp Genetics (formerly Invitae), Labcorp
Classification: Uncertain significance. Last evaluated: 2024-03-23. Review status: criteria provided, single submitter. Criteria: Invitae Variant Classification Sherloc (09022015). Collection method: clinical testing. Allele origin: germline.
Comment: This sequence change replaces valine, which is neutral and non-polar, with isoleucine, which is neutral and non-polar, at codon 1017 of the IGF1R protein (p.Val1017Ile). This variant is present in population databases (rs770004826, gnomAD 0.01%). This variant has not been reported in the literature in individuals affected with IGF1R-related conditions. Advanced modeling of protein sequence and biophysical properties (such as structural, functional, and spatial information, amino acid conservation, physicochemical variation, residue mobility, and thermodynamic stability) performed at Invitae indicates that this missense variant is not expected to disrupt IGF1R protein function with a negative predictive value of 80%. In summary, the available evidence is currently insufficient to determine the role of this variant in disease. Therefore, it has been classified as a Variant of Uncertain Significance.

NM_000875.5(IGF1R):c.3049G>A (p.Val1017Ile)

Gene: IGF1R (insulin like growth factor 1 receptor; plus strand). Cytogenetic location: 15q26.3.
Variant type: single nucleotide variant.
Coding change: c.3049G>A on transcript NM_000875.5 (MANE Select); coding-DNA position 3049, G replaced by A.
Protein change: p.Val1017Ile; replaces valine 1017 with isoleucine.
Molecular consequence: missense variant.
Genome position (GRCh38, 1-based): chr15:98,934,916, G>A. VCF-style: chr15-98934916-G-A. GRCh37 (hg19) VCF-style: chr15-99478145-G-A.
Other names: c.3046G>A, p.Val1016Ile (NM_001291858.2); short protein forms V1016I, V1017I.
Identifiers: ClinVar variation 3682575 (VCV003682575.2).
Genomic context (GRCh38, chr15:98,934,916, plus strand): 5'-GAGAAGATCACCATGAGCCGGGAACTTGGGCAGGGGTCGTTTGGGATGGTCTATGAAGGA[G>A]TTGCCAAGGGTGTGGTGAAAGATGAACCTGAAACCAGAGTGGCCATTAAAACAGTGAACG-3'
Protein context (NP_000866.1, residues 1007-1027): QGSFGMVYEG[Val1017Ile]AKGVVKDEPE